The following is an entry in ClinVar:

ClinVar aggregate classification (germline): Pathogenic (1 of 4 stars; one submission).

Conditions:
Hereditary cancer-predisposing syndrome. Also called: Tumor predisposition; Neoplastic Syndromes, Hereditary; Hereditary Cancer Syndrome; Hereditary neoplastic syndrome. Identifiers: Orphanet 140162, MedGen C0027672, MeSH D009386, MONDO:0015356.

Submission:

Ambry Genetics
Classification: Pathogenic for Hereditary cancer-predisposing syndrome. Last evaluated: 2026-01-12. Review status: criteria provided, single submitter. Criteria: Ambry Variant Classification Scheme 2023. Collection method: clinical testing. Allele origin: germline.
Comment: The c.1489dupA pathogenic mutation, located in coding exon 8 of the SMARCA4 gene, results from a duplication of A at nucleotide position 1489, causing a translational frameshift with a predicted alternate stop codon (p.I497Nfs*37). This variant is considered to be rare based on population cohorts in the Genome Aggregation Database (gnomAD). This alteration is expected to result in loss of function by premature protein truncation or nonsense-mediated mRNA decay. Loss-of-function variants in SMARCA4 are known to cause rhabdoid tumor predisposition syndrome including small cell carcinoma of the ovary-hypercalcemic type (SCCOHT); however, such associations with neurodevelopmental disorders are exceedingly rare (Kosho T et al. Am J Med Genet C Semin Med Genet. 2014 Sep;166C(3):262-75; Jelinic P et al. Nat Genet. 2014 May;46(5):424-6). Based on the supporting evidence, this alteration is pathogenic for rhabdoid tumor predisposition syndrome; however, the association of this alteration with Coffin-Siris syndrome is unlikely.

NM_003072.5(SMARCA4):c.1489dup (p.Ile497fs)

Gene: SMARCA4 (SWI/SNF related BAF chromatin remodeling complex subunit ATPase 4; plus strand). Cytogenetic location: 19p13.2.
Variant type: Duplication.
Coding change: c.1489dup on transcript NM_003072.5 (MANE Select); coding-DNA position 1489, one base duplicated (A; older notation c.1489dupA).
Protein change: p.Ile497fs; shifts the reading frame from isoleucine 497.
Molecular consequence: frameshift variant. On other transcripts: non-coding transcript variant (1).
Genome position (GRCh38, 1-based): chr19:10,994,897, A duplicated; the last of 4 consecutive A bases (chr19:10,994,894-10,994,897); duplicating any one gives the same sequence. VCF-style (leftmost placement, unchanged base first): chr19-10994893-C-CA. GRCh37 (hg19) VCF-style: chr19-11105569-C-CA.
Other names: c.1489dup, p.Ile497fs (NM_001128844.3, NM_001128845.2, NM_001128846.2 and 4 more transcripts); short protein forms I497fs.
Identifiers: ClinVar variation 819356 (VCV000819356.5), dbSNP rs1600068013, ClinGen allele CA915951653.